The following is an entry in ClinVar:

NM_000488.4(SERPINC1):c.1342C>T (p.Pro448Ser)

Gene: SERPINC1 (serpin family C member 1; minus strand). Cytogenetic location: 1q25.1.
Variant type: single nucleotide variant.
Coding change: c.1342C>T on transcript NM_000488.4 (MANE Select); coding-DNA position 1342, C replaced by T.
Protein change: p.Pro448Ser; replaces proline 448 with serine.
Molecular consequence: missense variant.
Genome position (GRCh38, 1-based): chr1:173,903,942, G>A on the plus strand (C>T on the coding strand, the complement: SERPINC1 is on the minus strand). VCF-style: chr1-173903942-G-A. GRCh37 (hg19) VCF-style: chr1-173873080-G-A.
Other names: c.1198C>T, p.Pro400Ser (NM_001365052.2); c.1465C>T, p.Pro489Ser (NM_001386302.1); c.1423C>T, p.Pro475Ser (NM_001386303.1); c.1321C>T, p.Pro441Ser (NM_001386304.1); c.1285C>T, p.Pro429Ser (NM_001386305.1); c.1126C>T, p.Pro376Ser (NM_001386306.1); short protein forms P448S, P400S, P376S, P429S, P441S, P475S, P489S.
Identifiers: ClinVar variation 874662 (VCV000874662.4), dbSNP rs376029223, ClinGen allele CA1251217.

ClinVar aggregate classification (germline): Uncertain significance (1 of 4 stars; one submission).

Conditions:
Hereditary antithrombin deficiency (AT3D). Also called: Reduced antithrombin III activity; Antithrombin III deficiency; Thrombophilia due to antithrombin III deficiency; Antithrombin deficiency. Identifiers: Orphanet 82, MedGen C0272375, MONDO:0013144, OMIM 613118, HP:0001976.

Allele frequency attached by ClinVar (database versions not stated): gnomAD 0.00001; TOPMed 0.00001; ExAC 0.00002; gnomAD exomes 0.00002 and 0.00004; ESP Exome Variant Server 0.00015.
gnomAD v4.1: 53 of 1,613,998 alleles (0.0033%); highest among the groups gnomAD compares: Non-Finnish European, 0.0044%; no homozygotes.

Submission:

Illumina Laboratory Services, Illumina
Classification: Uncertain significance for Hereditary antithrombin deficiency. Last evaluated: 2017-04-28. Review status: criteria provided, single submitter. Criteria: ICSL Variant Classification Criteria 13 December 2019. Collection method: clinical testing. Allele origin: germline.
Comment: This variant was observed as part of a predisposition screen in an ostensibly healthy population. A literature search was performed for the gene, cDNA change, and amino acid change (where applicable). Publications were found based on this search. However, the evidence from the literature, in combination with allele frequency data from public databases where available, was not sufficient to rule this variant in or out of causing disease. Therefore, this variant is classified as a variant of unknown significance.

Literature cited by the submitters: PubMed 24121110.